The following is an entry in ClinVar:

ClinVar aggregate classification (germline): Uncertain significance (1 of 4 stars; one submission).

Conditions:
Heterotopia, periventricular, X-linked dominant (PVNH1). Also called: PERIVENTRICULAR NODULAR HETEROTOPIA 4; HETEROTOPIA, PERIVENTRICULAR, 1; PERIVENTRICULAR NODULAR HETEROTOPIA 1; X-linked periventricular heterotopia. Identifiers: Orphanet 2149, Orphanet 82004, MedGen C1848213, MONDO:0010233, OMIM 300049.
Melnick-Needles syndrome (MNS). Also called: Melnick-Needles Syndrome (FLNA-MNS); MELNICK-NEEDLES OSTEODYSPLASTY; OSTEODYSPLASTY OF MELNICK AND NEEDLES. Identifiers: Orphanet 2484, MedGen C0025237, MONDO:0010650, OMIM 309350.
Frontometaphyseal dysplasia (FMD1). Identifiers: Orphanet 1826, MedGen C0265293, MONDO:0015942.
Oto-palato-digital syndrome, type II (OPD2). Also called: Otopalatodigital Syndrome Type 2 (FLNA-OPD2); Otopalatodigital Syndrome, Type II; FACIOPALATOOSSEOUS SYNDROME; OPD II SYNDROME. Identifiers: Orphanet 669, Orphanet 90652, MedGen C1844696, MONDO:0010571, OMIM 304120.

Submission:

Labcorp Genetics (formerly Invitae), Labcorp
Classification: Uncertain significance for Oto-palato-digital syndrome, type II; Heterotopia, periventricular, X-linked dominant; Frontometaphyseal dysplasia; Melnick-Needles syndrome. Last evaluated: 2018-06-21. Review status: criteria provided, single submitter. Criteria: Invitae Variant Classification Sherloc (09022015). Collection method: clinical testing. Allele origin: germline.
Comment: This variant is not present in population databases (ExAC no frequency). This sequence change replaces proline with serine at codon 480 of the FLNA protein (p.Pro480Ser). The proline residue is highly conserved and there is a moderate physicochemical difference between proline and serine. This variant has not been reported in the literature in individuals with FLNA-related disease. Algorithms developed to predict the effect of missense changes on protein structure and function are either unavailable or do not agree on the potential impact of this missense change (SIFT: "Deleterious"; PolyPhen-2: "Possibly Damaging"; Align-GVGD: "Class C0"). In summary, the available evidence is currently insufficient to determine the role of this variant in disease. Therefore, it has been classified as a Variant of Uncertain Significance.

NM_001110556.2(FLNA):c.1438C>T (p.Pro480Ser)

Gene: FLNA (filamin A; minus strand). Cytogenetic location: Xq28.
Variant type: single nucleotide variant.
Coding change: c.1438C>T on transcript NM_001110556.2 (MANE Select); coding-DNA position 1438, C replaced by T.
Protein change: p.Pro480Ser; replaces proline 480 with serine.
Molecular consequence: missense variant.
Genome position (GRCh38, 1-based): chrX:154,365,478, G>A on the plus strand (C>T on the coding strand, the complement: FLNA is on the minus strand). VCF-style: chrX-154365478-G-A. GRCh37 (hg19) VCF-style: chrX-153593846-G-A.
Other names: c.1438C>T, p.Pro480Ser (NM_001456.4); short protein forms P480S.
Identifiers: ClinVar variation 565416 (VCV000565416.10), dbSNP rs782682232, ClinGen allele CA337283364.